The following is an entry in ClinVar:

ClinVar aggregate classification (germline): Benign (1 of 4 stars; one submission).

Allele frequency attached by ClinVar (database versions not stated): gnomAD 0.69535 and 0.68755; 1000 Genomes Project 30x 0.70987; 1000 Genomes Project 0.71685; TOPMed 0.69068.
gnomAD v4.1: 105,393 of 151,548 alleles (70%); highest among the groups gnomAD compares: East Asian, 98%; 37,991 homozygotes.

Submission:

GeneDx
Classification: Benign. Last evaluated: 2018-06-14. Review status: criteria provided, single submitter. Criteria: GeneDx Variant Classification (06012015). Collection method: clinical testing. Allele origin: germline. Affected: yes.
Comment: This variant is considered likely benign or benign based on one or more of the following criteria: it is a conservative change, it occurs at a poorly conserved position in the protein, it is predicted to be benign by multiple in silico algorithms, and/or has population frequency not consistent with disease.

NM_203447.4(DOCK8):c.4627-318A>G

Gene: DOCK8 (dedicator of cytokinesis 8; plus strand). Cytogenetic location: 9p24.3.
Variant type: single nucleotide variant.
Coding change: c.4627-318A>G on transcript NM_203447.4 (MANE Select); 318 bases into the intron before coding-DNA position 4627, A replaced by G.
Molecular consequence: intron variant.
Genome position (GRCh38, 1-based): chr9:431,848, A>G. VCF-style: chr9-431848-A-G. GRCh37 (hg19) VCF-style: chr9-431848-A-G.
Other names: c.4423-318A>G (NM_001193536.2); c.4327-318A>G (NM_001190458.2).
Identifiers: ClinVar variation 667680 (VCV000667680.1), dbSNP rs1329375, ClinGen allele CA187804622.